The following is an entry in ClinVar:

NM_001267550.2(TTN):c.55119del (p.Glu18374fs)

Genes: TTN (titin; minus strand), TTN-AS1 (TTN antisense RNA 1; plus strand). Cytogenetic location: 2q31.2.
Variant type: Deletion.
Coding change: c.55119del on transcript NM_001267550.2 (MANE Select); coding-DNA position 55119, one base deleted (A; older notation c.55119delA).
Protein change: p.Glu18374fs; shifts the reading frame from glutamic acid 18374.
Molecular consequence: frameshift variant.
Genome position (GRCh38, 1-based): chr2:178,602,283, T deleted on the plus strand (A on the coding strand, the reverse complement: TTN is on the minus strand); the first of 2 consecutive T bases (chr2:178,602,283-178,602,284); deleting either gives the same sequence. VCF-style (leftmost placement, unchanged base first): chr2-178602282-CT-C. GRCh37 (hg19) VCF-style: chr2-179467009-CT-C.
Other names: c.27924delA (NM_003319.4); c.50196del, p.Glu16733fs (NM_001256850.1); c.27924del, p.Glu9309fs (NM_003319.4); c.47415del, p.Glu15806fs (NM_133378.4); c.28299del, p.Glu9434fs (NM_133432.3); c.28500del, p.Glu9501fs (NM_133437.4); short protein forms E15806fs, E16733fs, E18374fs, E9434fs, E9309fs, E9501fs.
Identifiers: ClinVar variation 1350073 (VCV001350073.9), dbSNP rs2154193527, ClinGen allele CA2573133883.

ClinVar aggregate classification (germline): Likely pathogenic. Review status: criteria provided, multiple submitters, no conflicts (2 of 4 stars). 2 submissions from 2 submitters: Likely pathogenic (2). Last evaluated 2026-01-07.

Conditions:
Cardiovascular phenotype. Identifiers: MedGen CN230736.
Dilated cardiomyopathy 1G (CMD1G). Identifiers: Orphanet 154, MedGen C1858763, MONDO:0011400, OMIM 604145.
Autosomal recessive limb-girdle muscular dystrophy type 2J (LGMDR10). Also called: Limb-girdle muscular dystrophy, type 2J; MUSCULAR DYSTROPHY, LIMB-GIRDLE, AUTOSOMAL RECESSIVE 10. Identifiers: Orphanet 140922, MedGen C1837342, MONDO:0012127, OMIM 608807.

Submissions (2):

Labcorp Genetics (formerly Invitae), Labcorp
Classification: Likely pathogenic for Dilated cardiomyopathy 1G; Autosomal recessive limb-girdle muscular dystrophy type 2J. Last evaluated: 2026-01-07. Review status: criteria provided, single submitter. Criteria: Invitae Variant Classification Sherloc (09022015). Collection method: clinical testing. Allele origin: germline.
Comment: This sequence change creates a premature translational stop signal (p.Glu18374Argfs*49) in the TTN gene. While this is not anticipated to result in nonsense mediated decay, it is expected to create a truncated TTN protein. This variant is not present in population databases (gnomAD no frequency). This variant has not been reported in the literature in individuals affected with TTN-related conditions. ClinVar contains an entry for this variant (Variation ID: 1350073). This variant is located in the A band of TTN (PMID: 25589632). Truncating variants in this region are significantly overrepresented in patients affected with dilated cardiomyopathy (PMID: 25589632). Truncating variants in this region have also been reported in individuals affected with autosomal recessive centronuclear myopathy (PMID: 23975875). In summary, the currently available evidence indicates that the variant is pathogenic, but additional data are needed to prove that conclusively. Therefore, this variant has been classified as Likely Pathogenic.

Ambry Genetics
Classification: Likely pathogenic for Cardiovascular phenotype. Last evaluated: 2025-08-21. Review status: criteria provided, single submitter. Criteria: Ambry Variant Classification Scheme 2023. Collection method: clinical testing. Allele origin: germline.
Comment: The c.27924delA variant, located in coding exon 110 of the TTN gene, results from a deletion of one nucleotide at nucleotide position 27924, causing a translational frameshift with a predicted alternate stop codon (p.E9309Rfs*49). This exon is located in the A-band region of the N2-B isoform of the titin protein and is constitutively expressed in TTN transcripts (percent spliced in or PSI 100%). This variant is considered to be rare based on population cohorts in the Genome Aggregation Database (gnomAD). This variant is expected to result in loss of function by premature protein truncation or nonsense-mediated mRNA decay. While truncating variants in TTN are present in 1-3% of the general population, truncating variants in the A-band are the most common cause of dilated cardiomyopathy (Herman DS et al. N. Engl. J. Med., 2012 Feb;366:619-28; Roberts AM et al. Sci Transl Med, 2015 Jan;7:270ra6). TTN truncating variants encoded in constitutive exons (PSI >90%) have been found to be significantly associated with DCM regardless of their position in titin (Schafer S et al. Nat. Genet., 2017 01;49:46-53; Akhtar MM et al. Circ Heart Fail, 2020 Oct;13:e006832; Massier M et al. Clin Genet, 2025 Jan). Based on the majority of available evidence to date, this variant is likely to be pathogenic.

Literature cited by the submitters: PubMed 25589632 (cited by Labcorp Genetics (formerly Invitae), Labcorp); PubMed 23975875 (cited by Labcorp Genetics (formerly Invitae), Labcorp).